The following is an entry in ClinVar:

NM_002842.5(PTPRH):c.903A>G (p.Arg301=)

Gene: PTPRH (protein tyrosine phosphatase receptor type H; minus strand). Cytogenetic location: 19q13.42.
Variant type: single nucleotide variant.
Coding change: c.903A>G on transcript NM_002842.5 (MANE Select); coding-DNA position 903, A replaced by G.
Protein change: p.Arg301=; no amino-acid change (arginine 301 retained).
Molecular consequence: synonymous variant.
Genome position (GRCh38, 1-based): chr19:55,202,306, T>C on the plus strand (A>G on the coding strand, the complement: PTPRH is on the minus strand). VCF-style: chr19-55202306-T-C. GRCh37 (hg19) VCF-style: chr19-55713674-T-C.
Other names: c.369A>G, p.Arg123= (NM_001161440.3).
Identifiers: ClinVar variation 3771323 (VCV003771323.13).

ClinVar aggregate classification (germline): Likely benign (1 of 4 stars; one submission).

gnomAD v4.1: 70 of 1,614,104 alleles (0.0043%); highest among the groups gnomAD compares: Middle Eastern, 0.033%; no homozygotes.

Submission:

CeGaT Center for Human Genetics Tuebingen
Classification: Likely benign. Last evaluated: 2025-02-01. Review status: criteria provided, single submitter. Criteria: CeGaT Center For Human Genetics Tuebingen Variant Classification Criteria Version 2. Collection method: clinical testing. Allele origin: germline. Affected: yes. Observed: 1 variant allele.
Comment: PTPRH: BP4, BP7